The following is an entry in ClinVar:

NM_001378454.1(ALMS1):c.5819A>C (p.Tyr1940Ser)

Gene: ALMS1 (ALMS1 centrosome and basal body associated protein; plus strand). Cytogenetic location: 2p13.1.
Variant type: single nucleotide variant.
Coding change: c.5819A>C on transcript NM_001378454.1 (MANE Select); coding-DNA position 5819, A replaced by C.
Protein change: p.Tyr1940Ser; replaces tyrosine 1940 with serine.
Molecular consequence: missense variant.
Genome position (GRCh38, 1-based): chr2:73,452,346, A>C. VCF-style: chr2-73452346-A-C. GRCh37 (hg19) VCF-style: chr2-73679473-A-C.
Other names: c.5822A>C, p.Tyr1941Ser (NM_015120.4); short protein forms Y1940S, Y1941S.
Identifiers: ClinVar variation 2010488 (VCV002010488.4), dbSNP rs2466106544, ClinGen allele CA347283410.

ClinVar aggregate classification (germline): Uncertain significance (1 of 4 stars; one submission).

Conditions:
Alstrom syndrome (ALMS). Identifiers: Orphanet 64, MedGen C0268425, MONDO:0008763, OMIM 203800.

Allele frequency attached by ClinVar (database versions not stated): gnomAD exomes below 0.00001.
gnomAD v4.1: 1 of 1,613,906 alleles (0.000062%); highest among the groups gnomAD compares: Non-Finnish European, 0.000085%; no homozygotes.

Submission:

Labcorp Genetics (formerly Invitae), Labcorp
Classification: Uncertain significance for Alstrom syndrome. Last evaluated: 2022-06-25. Review status: criteria provided, single submitter. Criteria: Invitae Variant Classification Sherloc (09022015). Collection method: clinical testing. Allele origin: germline.
Comment: This variant is not present in population databases (gnomAD no frequency). This variant has not been reported in the literature in individuals affected with ALMS1-related conditions. Experimental studies and prediction algorithms are not available or were not evaluated, and the functional significance of this variant is currently unknown. In summary, the available evidence is currently insufficient to determine the role of this variant in disease. Therefore, it has been classified as a Variant of Uncertain Significance. This sequence change replaces tyrosine, which is neutral and polar, with serine, which is neutral and polar, at codon 1941 of the ALMS1 protein (p.Tyr1941Ser).